The following is an entry in ClinVar:

NM_152419.3(HGSNAT):c.1474A>G (p.Ile492Val)

Gene: HGSNAT (heparan-alpha-glucosaminide N-acetyltransferase; plus strand). Cytogenetic location: 8p11.21.
Variant type: single nucleotide variant.
Coding change: c.1474A>G on transcript NM_152419.3 (MANE Select); coding-DNA position 1474, A replaced by G.
Protein change: p.Ile492Val; replaces isoleucine 492 with valine.
Molecular consequence: missense variant.
Genome position (GRCh38, 1-based): chr8:43,196,957, A>G. VCF-style: chr8-43196957-A-G. GRCh37 (hg19) VCF-style: chr8-43052100-A-G.
Other names: c.1474A>G (NM_152419.2); c.1561A>G, p.Ile521Val (NM_001363227.2); c.1282A>G, p.Ile428Val (NM_001363228.2); c.610A>G, p.Ile204Val (NM_001363229.2); short protein forms I204V, I521V, I428V, I492V.
Identifiers: ClinVar variation 1440952 (VCV001440952.5), dbSNP rs766052009, ClinGen allele CA4736913.
Genomic context (GRCh38, chr8:43,196,957, plus strand): 5'-AAAAATATCCCTTTGGCGATTCTTTTGGTCACACTGTGTTATCTCCTCCAGGCAGGAAAA[A>G]TACTATTGTATTACAAGGCTCGGACCAAAGACATCCTGATTCGATTCACTGCTTGGTGTT-3'
Protein context (NP_689632.2, residues 482-502): MAFLGVQAGK[Ile492Val]LLYYKARTKD

ClinVar aggregate classification (germline): Uncertain significance. Review status: criteria provided, multiple submitters, no conflicts (2 of 4 stars). 3 submissions from 3 submitters: Uncertain significance (3). Last evaluated 2024-09-08.

Conditions:
Inborn genetic diseases. Identifiers: MedGen C0950123, MeSH D030342.
Mucopolysaccharidosis, MPS-III-C (MPS3C). Also called: SANFILIPPO SYNDROME C; MPS III C; MPS IIIC (Sanfilippo Syndrome Type C); MUCOPOLYSACCHARIDOSIS, TYPE IIIC; Mucopolysaccharidosis type IIIC (Sanfilippo C); mucopolysaccharidosis type 3C. Identifiers: Orphanet 581, Orphanet 79271, MedGen C0086649, MONDO:0009657, OMIM 252930.
Retinitis pigmentosa 73 (RP73). Identifiers: Orphanet 791, MedGen C4225287, MONDO:0014687, OMIM 616544.

Allele frequency attached by ClinVar (database versions not stated): gnomAD 0.00001; TOPMed 0.00001; ExAC 0.00002; gnomAD exomes 0.00001.
gnomAD v4.1: 12 of 1,605,800 alleles (0.00075%); highest among the groups gnomAD compares: Non-Finnish European, 0.00094%; no homozygotes.

Submissions (3):

Ambry Genetics
Classification: Uncertain significance for Inborn genetic diseases. Last evaluated: 2024-09-08. Review status: criteria provided, single submitter. Criteria: Ambry Variant Classification Scheme 2023. Collection method: clinical testing. Allele origin: germline.

Labcorp Genetics (formerly Invitae), Labcorp
Classification: Uncertain significance for Retinitis pigmentosa 73; Mucopolysaccharidosis, MPS-III-C. Last evaluated: 2022-03-08. Review status: criteria provided, single submitter. Criteria: Invitae Variant Classification Sherloc (09022015). Collection method: clinical testing. Allele origin: germline.
Comment: This sequence change replaces isoleucine, which is neutral and non-polar, with valine, which is neutral and non-polar, at codon 492 of the HGSNAT protein (p.Ile492Val). This variant is present in population databases (rs766052009, gnomAD 0.002%). This variant has not been reported in the literature in individuals affected with HGSNAT-related conditions. Algorithms developed to predict the effect of missense changes on protein structure and function (SIFT, PolyPhen-2, Align-GVGD) all suggest that this variant is likely to be tolerated. In summary, the available evidence is currently insufficient to determine the role of this variant in disease. Therefore, it has been classified as a Variant of Uncertain Significance.

Blueprint Genetics
Classification: Uncertain significance. Last evaluated: 2021-12-23. Review status: criteria provided, single submitter. Criteria: ACMG Guidelines, 2015. Collection method: clinical testing. Allele origin: germline.